The following is an entry in ClinVar:

ClinVar aggregate classification (germline): Uncertain significance (1 of 4 stars; one submission).

Conditions:
Epidermolysis bullosa simplex with nail dystrophy (EBS5D). Identifiers: MedGen C4225309, MONDO:0014661, OMIM 616487.
Epidermolysis bullosa simplex, Ogna type (EBS5A). Also called: EPIDERMOLYSIS BULLOSA SIMPLEX 5A, OGNA TYPE; Pidermolysis bullosa simplex 5A, Ogna type. Identifiers: Orphanet 79401, MedGen C0432317, MONDO:0007555, OMIM 131950.
Epidermolysis bullosa simplex 5C, with pyloric atresia (EBS5C). Also called: PLEC1-Related Epidermolysis Bullosa with Pyloric Atresia; PLEC-Related Epidermolysis Bullosa with Pyloric Atresia; Epidermolysis bullosa simplex with pyloric atresia. Identifiers: Orphanet 158684, MedGen C2677349, MONDO:0012807, OMIM 612138.
Autosomal recessive limb-girdle muscular dystrophy type 2Q (LGMDR17). Also called: MUSCULAR DYSTROPHY, LIMB-GIRDLE, AUTOSOMAL RECESSIVE 17. Identifiers: Orphanet 254361, MedGen C3150989, MONDO:0013390, OMIM 613723.
Epidermolysis bullosa simplex 5B, with muscular dystrophy (EBS5B). Also called: EPIDERMOLYSIS BULLOSA SIMPLEX AND LIMB-GIRDLE MUSCULAR DYSTROPHY; Epidermolysis bullosa simplex with muscular dystrophy. Identifiers: Orphanet 257, MedGen C2931072, MONDO:0009181, OMIM 226670.

gnomAD v4.1: 2 of 1,613,700 alleles (0.00012%); highest among the groups gnomAD compares: Non-Finnish European, 0.00017%; no homozygotes.

Submission:

Labcorp Genetics (formerly Invitae), Labcorp
Classification: Uncertain significance for Autosomal recessive limb-girdle muscular dystrophy type 2Q; Epidermolysis bullosa simplex, Ogna type; Epidermolysis bullosa simplex with nail dystrophy; Epidermolysis bullosa simplex 5C, with pyloric atresia; Epidermolysis bullosa simplex 5B, with muscular dystrophy. Last evaluated: 2023-12-19. Review status: criteria provided, single submitter. Criteria: Invitae Variant Classification Sherloc (09022015). Collection method: clinical testing. Allele origin: germline.
Comment: This sequence change replaces proline, which is neutral and non-polar, with serine, which is neutral and polar, at codon 4147 of the PLEC protein (p.Pro4147Ser). This variant is not present in population databases (gnomAD no frequency). This variant has not been reported in the literature in individuals affected with PLEC-related conditions. Advanced modeling of protein sequence and biophysical properties (such as structural, functional, and spatial information, amino acid conservation, physicochemical variation, residue mobility, and thermodynamic stability) has been performed at Invitae for this missense variant, however the output from this modeling did not meet the statistical confidence thresholds required to predict the impact of this variant on PLEC protein function. In summary, the available evidence is currently insufficient to determine the role of this variant in disease. Therefore, it has been classified as a Variant of Uncertain Significance.

NM_201384.3(PLEC):c.12358C>T (p.Pro4120Ser)

Gene: PLEC (plectin; minus strand). Cytogenetic location: 8q24.3.
Variant type: single nucleotide variant.
Coding change: c.12358C>T on transcript NM_201384.3 (MANE Select); coding-DNA position 12358, C replaced by T.
Protein change: p.Pro4120Ser; replaces proline 4120 with serine.
Molecular consequence: missense variant.
Genome position (GRCh38, 1-based): chr8:143,917,463, G>A on the plus strand (C>T on the coding strand, the complement: PLEC is on the minus strand). VCF-style: chr8-143917463-G-A. GRCh37 (hg19) VCF-style: chr8-144991631-G-A.
Other names: c.12262C>T, p.Pro4088Ser (NM_201381.3); c.12358C>T, p.Pro4120Ser (NM_201382.4); c.12370C>T, p.Pro4124Ser (NM_201383.3); c.12439C>T, p.Pro4147Ser (NM_000445.5); c.9058C>T, p.Pro3020Ser (NM_001410941.1); c.12316C>T, p.Pro4106Ser (NM_201378.4); c.12292C>T, p.Pro4098Ser (NM_201379.3); c.12769C>T, p.Pro4257Ser (NM_201380.4); short protein forms P3020S, P4098S, P4088S, P4106S, P4147S, P4120S, P4124S, P4257S.
Identifiers: ClinVar variation 2921572 (VCV002921572.3), dbSNP rs1820943918, ClinGen allele CA372482634.